The following is an entry in ClinVar:

ClinVar aggregate classification (germline): Uncertain significance (1 of 4 stars; one submission).

Submission:

Labcorp Genetics (formerly Invitae), Labcorp
Classification: Uncertain significance. Last evaluated: 2025-10-04. Review status: criteria provided, single submitter. Criteria: Invitae Variant Classification Sherloc (09022015). Collection method: clinical testing. Allele origin: germline.
Comment: This sequence change affects a splice site in intron 19 of the ENPP1 gene. It is expected to disrupt RNA splicing. Variants that disrupt the donor or acceptor splice site typically lead to a loss of protein function (PMID: 16199547), however the current clinical and genetic evidence is not sufficient to establish whether loss-of-function variants in ENPP1 cause disease. This variant is not present in population databases (gnomAD no frequency). This variant has not been reported in the literature in individuals affected with ENPP1-related conditions. Algorithms developed to predict the effect of sequence changes on RNA splicing suggest that this variant may disrupt the consensus splice site. In summary, the available evidence is currently insufficient to determine the role of this variant in disease. Therefore, it has been classified as a Variant of Uncertain Significance.

Literature cited by the submitters: PubMed 16199547.

NM_006208.3(ENPP1):c.1946-3_1946-2del

Gene: ENPP1 (ectonucleotide pyrophosphatase/phosphodiesterase 1; plus strand). Cytogenetic location: 6q23.2.
Variant type: Deletion.
Coding change: c.1946-3_1946-2del on transcript NM_006208.3 (MANE Select); 3 bases into the intron before coding-DNA position 1946 through the canonical splice acceptor site of the intron before coding-DNA position 1946, 2 bases deleted (AA; older notation c.1946-3_1946-2delAA).
Molecular consequence: splice acceptor variant.
Genome position (GRCh38, 1-based): chr6:131,879,877-131,879,878, AA deleted. VCF-style (leftmost placement, unchanged base first): chr6-131879876-CAA-C. GRCh37 (hg19) VCF-style: chr6-132201016-CAA-C.
Identifiers: ClinVar variation 4727962 (VCV004727962.1).